The following is an entry in ClinVar:

ClinVar aggregate classification (germline): Pathogenic. Review status: criteria provided, single submitter (1 of 4 stars). 4 submissions from 3 submitters: Pathogenic (2). 2 of the submissions do not count toward it. Last evaluated 2021-07-10.

Conditions:
Bethlem myopathy. Identifiers: Orphanet 610, MedGen C1834674, MONDO:0008029.
Myosclerosis. Also called: MYOPATHY, MYOSCLEROTIC; MYOSCLEROSIS, CONGENITAL, OF LOWENTHAL; Myosclerosis, congenital. Identifiers: Orphanet 289380, MedGen C1850671, MONDO:0009714, OMIM 255600.
Ullrich congenital muscular dystrophy 1B (UCMD1B). Identifiers: MedGen C5935582, MONDO:0958235, OMIM 620727.
Bethlem myopathy 1B (BTHLM1B). Identifiers: MedGen C5935580, MONDO:0958233, OMIM 620725.
Bethlem myopathy 1A. Also called: MYOPATHY, BENIGN CONGENITAL, WITH CONTRACTURES; Bethlem Muscular Dystrophy; Bethlem myopathy 1. Identifiers: Orphanet 610, MedGen CN029274, MONDO:0024530, OMIM 158810.
Abnormality of the musculature. Identifiers: MedGen C4021745, HP:0003011.

Submissions (4):

Kariminejad - Najmabadi Pathology & Genetics Center
Classification: Pathogenic for Abnormality of the musculature. Last evaluated: 2021-07-10. Review status: criteria provided, single submitter. Criteria: ACMG Guidelines, 2015. Collection method: clinical testing. Allele origin: germline. Affected: yes.

Kariminejad - Najmabadi Pathology & Genetics Center
Classification: Pathogenic for Myosclerosis; Bethlem myopathy 1B; Ullrich congenital muscular dystrophy 1B. Last evaluated: 2019-12-19. Review status: criteria provided, single submitter. Criteria: ACMG Guidelines, 2015. Collection method: clinical testing. Allele origin: germline. Inheritance: Autosomal recessive inheritance. Affected: yes.
Comment: PVS1, PM2, PM3

Neuromuscular Department, Shariati Hospital, Tehran University of Medical Sciences
Classification: Uncertain significance for Bethlem myopathy. Last evaluated: 2020-10-19. Review status: no assertion criteria provided. Collection method: clinical testing. Allele origin: germline. Affected: yes. Observed: 1 variant allele. Not counted in ClinVar's aggregate classification.

Institute of Human Genetics, Cologne University
Classification: Likely pathogenic for Bethlem myopathy 1A. Last evaluated: 2018-04-25. Review status: no assertion criteria provided. Collection method: clinical testing. Allele origin: germline. Affected: yes. Not counted in ClinVar's aggregate classification.

NM_001849.4(COL6A2):c.1055delG

Gene: COL6A2 (collagen type VI alpha 2 chain; plus strand). Cytogenetic location: 21q22.3.
Variant type: Deletion.
Coding change: c.1055delG on transcript NM_001849.4 (MANE Select); coding-DNA position 1055, one base deleted (G).
Molecular consequence: splice acceptor variant.
Genome position (GRCh38, 1-based): chr21:46,117,875, G deleted; the last of 3 consecutive G bases (chr21:46,117,873-46,117,875); deleting any one gives the same sequence. VCF-style (leftmost placement, unchanged base first): chr21-46117872-AG-A. GRCh37 (hg19) VCF-style: chr21-47537786-AG-A.
Other names: c.1055delG (NM_001849.3); c.1055del (NM_001849.4).
Identifiers: ClinVar variation 549682 (VCV000549682.24), dbSNP rs1555873507, ClinGen allele CA658824670.